The following is an entry in ClinVar:

NM_138694.4(PKHD1):c.1072G>A (p.Ala358Thr)

Gene: PKHD1 (PKHD1 ciliary IPT domain containing fibrocystin/polyductin; minus strand). Cytogenetic location: 6p12.2.
Variant type: single nucleotide variant.
Coding change: c.1072G>A on transcript NM_138694.4 (MANE Select); coding-DNA position 1072, G replaced by A.
Protein change: p.Ala358Thr; replaces alanine 358 with threonine.
Molecular consequence: missense variant.
Genome position (GRCh38, 1-based): chr6:52,062,565, C>T on the plus strand (G>A on the coding strand, the complement: PKHD1 is on the minus strand). VCF-style: chr6-52062565-C-T. GRCh37 (hg19) VCF-style: chr6-51927363-C-T.
Other names: c.1072G>A, p.Ala358Thr (NM_170724.3); short protein forms A358T.
Identifiers: ClinVar variation 2499871 (VCV002499871.1), dbSNP rs764115931, ClinGen allele CA3853656.

ClinVar aggregate classification (germline): Uncertain significance (1 of 4 stars; one submission).

Allele frequency attached by ClinVar (database versions not stated): TOPMed below 0.00001; ExAC 0.00001; gnomAD 0.00001.
gnomAD v4.1: 2 of 1,614,042 alleles (0.00012%); highest among the groups gnomAD compares: Admixed American, 0.0017%; no homozygotes.

Submission:

GeneDx
Classification: Uncertain significance. Last evaluated: 2022-10-20. Review status: criteria provided, single submitter. Criteria: GeneDx Variant Classification Process June 2021. Collection method: clinical testing. Allele origin: germline. Affected: yes.
Comment: Not observed at significant frequency in large population cohorts (gnomAD); In silico analysis supports that this missense variant has a deleterious effect on protein structure/function; Has not been previously published as pathogenic or benign to our knowledge